The following is an entry in ClinVar:

NM_013328.4(PYCR2):c.398_399del (p.Thr133fs)

Gene: PYCR2 (pyrroline-5-carboxylate reductase 2; minus strand). Cytogenetic location: 1q42.12.
Variant type: Deletion.
Coding change: c.398_399del on transcript NM_013328.4 (MANE Select); coding-DNA positions 398 to 399, 2 bases deleted (CA; older notation c.398_399delCA).
Protein change: p.Thr133fs; shifts the reading frame from threonine 133.
Molecular consequence: frameshift variant. On other transcripts: intron variant (1).
Genome position (GRCh38, 1-based): chr1:225,921,999-225,922,000, TG deleted on the plus strand (CA on the coding strand, the reverse complement: PYCR2 is on the minus strand); deleting any 2 consecutive bases within chr1:225,921,999-225,922,001 gives the same sequence; the c. name uses the placement nearest the transcript's 3' end. VCF-style (leftmost placement, unchanged base first): chr1-225921998-CTG-C. GRCh37 (hg19) VCF-style: chr1-226109698-CTG-C.
Other names: p.Thr133SerfsTer28; c.318+204_318+205del (NM_001271681.2); short protein forms T133fs.
Identifiers: ClinVar variation 3255597 (VCV003255597.2).
Genomic context (GRCh38, chr1:225,921,998, plus strand): 5'-TCATGAGCTGCTCCAGGAGCTGCCCATCCTCCACCAGGGCATGGGTGCCCGTGGCGTACA[CTG>C]TAGCGCCTTCCTGCACTACCACAGGTGTGTTGGTCATGCAGCGAATCACTTTGGGGGCTG-3'

ClinVar aggregate classification (germline): Likely pathogenic (1 of 4 stars; one submission).

Conditions:
Leukodystrophy, hypomyelinating, 10. Also called: PYCR2-related microcephaly-progressive leukoencephalopathy. Identifiers: Orphanet 481152, MedGen C4225332, MONDO:0014632, OMIM 616420.

Submission:

Breakthrough Genomics
Classification: Likely pathogenic for Leukodystrophy, hypomyelinating, 10. Last evaluated: 2020-10-17. Review status: criteria provided, single submitter. Criteria: ACMG Guidelines, 2015. Collection method: clinical testing. Allele origin: germline. Affected: yes.
Comment: This variant is predicted to cause a frameshift and consequent premature termination of the protein and the resultant protein will likely to lack the P5CR dimerization domain [UniProt] of the protein; this will likely result in loss-of-function. Due to the introduction of a premature stop codon, this aberrant transcript will likely be targeted by the nonsense-mediated mRNA decay (NMD) mechanism [PMID: 15040442]. The variant seems to be a novel variant, as it has not been previously reported in population databases or in the literature.